The following is an entry in ClinVar:

ClinVar aggregate classification (germline): Uncertain significance (1 of 4 stars; one submission).

Conditions:
Galactosylceramide beta-galactosidase deficiency. Also called: Leukodystrophy, Globoid Cell; Krabbe Disease; GALACTOCEREBROSIDASE DEFICIENCY; GALC DEFICIENCY; GLOBOID CELL LEUKOENCEPHALOPATHY. Identifiers: Orphanet 487, MedGen C0023521, MONDO:0009499, OMIM 245200.

gnomAD v4.1: 1 of 1,612,290 alleles (0.000062%); highest among the groups gnomAD compares: South Asian, 0.0011%; no homozygotes.

Submission:

Labcorp Genetics (formerly Invitae), Labcorp
Classification: Uncertain significance for Galactosylceramide beta-galactosidase deficiency. Last evaluated: 2024-06-25. Review status: criteria provided, single submitter. Criteria: Invitae Variant Classification Sherloc (09022015). Collection method: clinical testing. Allele origin: germline.
Comment: This sequence change replaces tyrosine, which is neutral and polar, with cysteine, which is neutral and slightly polar, at codon 516 of the GALC protein (p.Tyr516Cys). This variant is not present in population databases (gnomAD no frequency). This variant has not been reported in the literature in individuals affected with GALC-related conditions. Advanced modeling of protein sequence and biophysical properties (such as structural, functional, and spatial information, amino acid conservation, physicochemical variation, residue mobility, and thermodynamic stability) performed at Invitae indicates that this missense variant is expected to disrupt GALC protein function with a positive predictive value of 95%. In summary, the available evidence is currently insufficient to determine the role of this variant in disease. Therefore, it has been classified as a Variant of Uncertain Significance.

NM_000153.4(GALC):c.1547A>G (p.Tyr516Cys)

Gene: GALC (galactosylceramidase; minus strand). Cytogenetic location: 14q31.3.
Variant type: single nucleotide variant.
Coding change: c.1547A>G on transcript NM_000153.4 (MANE Select); coding-DNA position 1547, A replaced by G.
Protein change: p.Tyr516Cys; replaces tyrosine 516 with cysteine.
Molecular consequence: missense variant.
Genome position (GRCh38, 1-based): chr14:87,945,676, T>C on the plus strand (A>G on the coding strand, the complement: GALC is on the minus strand). VCF-style: chr14-87945676-T-C. GRCh37 (hg19) VCF-style: chr14-88412020-T-C.
Other names: c.1379A>G, p.Tyr460Cys (NM_001424071.1, NM_001424072.1, NM_001424073.1); c.1199A>G, p.Tyr400Cys (NM_001424074.1, NM_001424075.1); c.914A>G, p.Tyr305Cys (NM_001424076.1, NM_001424077.1); c.1478A>G, p.Tyr493Cys (NM_001201401.2); c.1469A>G, p.Tyr490Cys (NM_001201402.2); short protein forms Y305C, Y400C, Y460C, Y490C, Y493C, Y516C.
Identifiers: ClinVar variation 3628310 (VCV003628310.2).